The following is an entry in ClinVar:

ClinVar aggregate classification (germline): Uncertain significance. Review status: criteria provided, multiple submitters, no conflicts (2 of 4 stars). 2 submissions from 2 submitters: Uncertain significance (2). Last evaluated 2025-03-05.

Conditions:
Hereditary cancer-predisposing syndrome. Also called: Neoplastic Syndromes, Hereditary; Tumor predisposition; Hereditary Cancer Syndrome; Hereditary neoplastic syndrome. Identifiers: Orphanet 140162, MedGen C0027672, MeSH D009386, MONDO:0015356.
Gastrointestinal stromal tumor. Also called: Gastrointestinal stromal tumor, somatic; Gastrointestinal stroma tumor. Identifiers: Orphanet 44890, MedGen C0238198, MeSH D046152, MONDO:0011719, OMIM 606764, HP:0100723.

Allele frequency attached by ClinVar (database versions not stated): gnomAD exomes below 0.00001; TOPMed below 0.00001.
gnomAD v4.1: 2 of 1,614,002 alleles (0.00012%); highest among the groups gnomAD compares: Non-Finnish European, 0.00017%; no homozygotes.

Submissions (2):

Ambry Genetics
Classification: Uncertain significance for Hereditary cancer-predisposing syndrome. Last evaluated: 2025-03-05. Review status: criteria provided, single submitter. Criteria: Ambry Variant Classification Scheme 2023. Collection method: clinical testing. Allele origin: germline.
Comment: The p.N458S variant (also known as c.1373A>G), located in coding exon 9 of the PDGFRA gene, results from an A to G substitution at nucleotide position 1373. The asparagine at codon 458 is replaced by serine, an amino acid with highly similar properties. This amino acid position is highly conserved in available vertebrate species. In addition, this alteration is predicted to be tolerated by in silico analysis. Based on the available evidence, the clinical significance of this variant remains unclear.

Labcorp Genetics (formerly Invitae), Labcorp
Classification: Uncertain significance for Gastrointestinal stromal tumor. Last evaluated: 2024-05-12. Review status: criteria provided, single submitter. Criteria: Invitae Variant Classification Sherloc (09022015). Collection method: clinical testing. Allele origin: germline.
Comment: This sequence change replaces asparagine, which is neutral and polar, with serine, which is neutral and polar, at codon 458 of the PDGFRA protein (p.Asn458Ser). This variant is not present in population databases (gnomAD no frequency). This variant has not been reported in the literature in individuals affected with PDGFRA-related conditions. ClinVar contains an entry for this variant (Variation ID: 859051). Advanced modeling of protein sequence and biophysical properties (such as structural, functional, and spatial information, amino acid conservation, physicochemical variation, residue mobility, and thermodynamic stability) performed at Invitae indicates that this missense variant is not expected to disrupt PDGFRA protein function with a negative predictive value of 80%. In summary, the available evidence is currently insufficient to determine the role of this variant in disease. Therefore, it has been classified as a Variant of Uncertain Significance.

NM_006206.6(PDGFRA):c.1373A>G (p.Asn458Ser)

Gene: PDGFRA (platelet derived growth factor receptor alpha; plus strand). Cytogenetic location: 4q12.
Variant type: single nucleotide variant.
Coding change: c.1373A>G on transcript NM_006206.6 (MANE Select); coding-DNA position 1373, A replaced by G.
Protein change: p.Asn458Ser; replaces asparagine 458 with serine.
Molecular consequence: missense variant.
Genome position (GRCh38, 1-based): chr4:54,273,545, A>G. VCF-style: chr4-54273545-A-G. GRCh37 (hg19) VCF-style: chr4-55139712-A-G.
Other names: c.1373A>G, p.Asn458Ser (NM_001347827.2, NM_001347829.2); c.1448A>G, p.Asn483Ser (NM_001347828.2); c.1412A>G, p.Asn471Ser (NM_001347830.2); short protein forms N471S, N458S, N483S.
Identifiers: ClinVar variation 859051 (VCV000859051.11), dbSNP rs777051666, ClinGen allele CA356892434.
Genomic context (GRCh38, chr4:54,273,545, plus strand): 5'-TTGCCATGACTCTCAGGAATTGGCCCTATACTTAGGCCCTTTTTCTCTCTAGATGTAATA[A>G]TGAAACTTCCTGGACTATTTTGGCCAACAATGTCTCAAACATCATCACGGAGATCCACTC-3'
Protein context (NP_006197.1, residues 448-468): MICKDIKKCN[Asn458Ser]ETSWTILANN